The following is an entry in ClinVar:

ClinVar aggregate classification (germline): Conflicting classifications of pathogenicity. Review status: criteria provided, conflicting classifications (1 of 4 stars). 4 submissions from 4 submitters: Likely pathogenic (1); Uncertain significance (1); Benign (1). 1 of the submissions does not count toward it. Last evaluated 2023-10-01.

Conditions:
Retinitis pigmentosa (RP). Identifiers: Orphanet 791, MedGen C0035334, MeSH D012174, MONDO:0019200, OMIM 268000. Inheritance: Autosomal dominant, autosomal recessive and X linked inheritance.
Retinal dystrophy. Also called: Inherited retinal dystrophy. Identifiers: Orphanet 71862, MedGen C0854723, MeSH D058499, MONDO:0019118, HP:0000556.

Allele frequency attached by ClinVar (database versions not stated): gnomAD exomes 0.00001 and 0.00003; TOPMed 0.00001; ExAC 0.00002.

Submissions (4):

Dept Of Ophthalmology, Nagoya University
Classification: Benign for Retinal dystrophy. Last evaluated: 2023-10-01. Review status: criteria provided, single submitter. Criteria: Submitter's publication. Collection method: research. Allele origin: germline. Affected: yes.

Labcorp Genetics (formerly Invitae), Labcorp
Classification: Uncertain significance. Last evaluated: 2023-01-11. Review status: criteria provided, single submitter. Criteria: Invitae Variant Classification Sherloc (09022015). Collection method: clinical testing. Allele origin: germline.
Comment: This sequence change replaces glycine, which is neutral and non-polar, with serine, which is neutral and polar, at codon 174 of the RHO protein (p.Gly174Ser). This variant is present in population databases (rs527236103, gnomAD 0.003%). This missense change has been observed in individual(s) with retinitis pigmentosa (PMID: 18310263). ClinVar contains an entry for this variant (Variation ID: 143080). Advanced modeling of protein sequence and biophysical properties (such as structural, functional, and spatial information, amino acid conservation, physicochemical variation, residue mobility, and thermodynamic stability) performed at Invitae indicates that this missense variant is expected to disrupt RHO protein function. In summary, the available evidence is currently insufficient to determine the role of this variant in disease. Therefore, it has been classified as a Variant of Uncertain Significance.

Institute of Human Genetics, Univ. Regensburg, Univ. Regensburg
Classification: Likely pathogenic for Retinal dystrophy. Last evaluated: 2016-01-01. Review status: criteria provided, single submitter. Criteria: ACMG Guidelines, 2015. Collection method: clinical testing. Allele origin: germline. Affected: yes.

Department of Ophthalmology and Visual Sciences Kyoto University
Classification: Pathogenic for Retinitis pigmentosa. Review status: no assertion criteria provided. Collection method: not provided. Allele origin: unknown. Not counted in ClinVar's aggregate classification.
ClinVar note: Converted during submission from pathogenic to Pathogenic.

Literature cited by the submitters: PubMed 18310263 (cited by Labcorp Genetics (formerly Invitae), Labcorp); PubMed 30977563 (cited by Institute of Human Genetics, Univ. Regensburg, Univ. Regensburg); PubMed 34426522 (cited by Institute of Human Genetics, Univ. Regensburg, Univ. Regensburg).

NM_000539.3(RHO):c.520G>A (p.Gly174Ser)

Gene: RHO (rhodopsin; plus strand). Cytogenetic location: 3q22.1.
Variant type: single nucleotide variant.
Coding change: c.520G>A on transcript NM_000539.3 (MANE Select); coding-DNA position 520, G replaced by A.
Protein change: p.Gly174Ser; replaces glycine 174 with serine.
Molecular consequence: missense variant.
Genome position (GRCh38, 1-based): chr3:129,531,034, G>A. VCF-style: chr3-129531034-G-A. GRCh37 (hg19) VCF-style: chr3-129249877-G-A.
Other names: short protein forms G174S.
Identifiers: ClinVar variation 143080 (VCV000143080.7), dbSNP rs527236103, ClinGen allele CA270023.
Genomic context (GRCh38, chr3:129,531,034, plus strand): 5'-ATCATGGGCGTTGCCTTCACCTGGGTCATGGCGCTGGCCTGCGCCGCACCCCCACTCGCC[G>A]GCTGGTCCAGGTAATGGCACTGAGCAGAAGGGAAGAAGCTCCGGGGGCTCTTTGTAGGGT-3'
Protein context (NP_000530.1, residues 164-184): ALACAAPPLA[Gly174Ser]WSRYIPEGLQ